The following is an entry in ClinVar:

NM_153046.3(TDRD9):c.624A>T (p.Gly208=)

Gene: TDRD9 (tudor domain containing 9; plus strand). Cytogenetic location: 14q32.33.
Variant type: single nucleotide variant.
Coding change: c.624A>T on transcript NM_153046.3 (MANE Select); coding-DNA position 624, A replaced by T.
Protein change: p.Gly208=; no amino-acid change (glycine 208 retained).
Molecular consequence: synonymous variant.
Genome position (GRCh38, 1-based): chr14:103,965,536, A>T. VCF-style: chr14-103965536-A-T. GRCh37 (hg19) VCF-style: chr14-104431873-A-T.
Identifiers: ClinVar variation 3041885 (VCV003041885.2), dbSNP rs2032701619, ClinGen allele CA488171624.

ClinVar aggregate classification (germline): Likely benign (0 of 4 stars; one submission).

Conditions:
TDRD9-related disorder. Also called: TDRD9-related condition.

Submission:

PreventionGenetics, part of Exact Sciences
Classification: Likely benign for TDRD9-related condition. Last evaluated: 2019-04-01. Review status: no assertion criteria provided. Collection method: clinical testing. Allele origin: germline.
Comment: This variant is classified as likely benign based on ACMG/AMP sequence variant interpretation guidelines (Richards et al. 2015 PMID: 25741868, with internal and published modifications).